The following is an entry in ClinVar:

ClinVar aggregate classification (germline): Uncertain significance (1 of 4 stars; one submission).

Submission:

Labcorp Genetics (formerly Invitae), Labcorp
Classification: Uncertain significance. Last evaluated: 2024-04-05. Review status: criteria provided, single submitter. Criteria: Invitae Variant Classification Sherloc (09022015). Collection method: clinical testing. Allele origin: germline.
Comment: This sequence change falls in intron 13 of the ALPK3 gene. It does not directly change the encoded amino acid sequence of the ALPK3 protein. This variant is not present in population databases (gnomAD no frequency). This variant has not been reported in the literature in individuals affected with ALPK3-related conditions. Algorithms developed to predict the effect of sequence changes on RNA splicing suggest that this variant may disrupt the consensus splice site. In summary, the available evidence is currently insufficient to determine the role of this variant in disease. Therefore, it has been classified as a Variant of Uncertain Significance.

NM_020778.5(ALPK3):c.4773-11del

Gene: ALPK3 (alpha kinase 3; plus strand). Cytogenetic location: 15q25.3.
Variant type: Deletion.
Coding change: c.4773-11del on transcript NM_020778.5 (MANE Select); 11 bases into the intron before coding-DNA position 4773, one base deleted (T; older notation c.4773-11delT).
Molecular consequence: intron variant.
Genome position (GRCh38, 1-based): chr15:84,868,100, T deleted. VCF-style (leftmost placement, unchanged base first): chr15-84868099-GT-G. GRCh37 (hg19) VCF-style: chr15-85411330-GT-G.
Identifiers: ClinVar variation 2710740 (VCV002710740.3), dbSNP rs2505733150, ClinGen allele CA2697549366.
Genomic context (GRCh38, chr15:84,868,099, plus strand): 5'-CCCAGAGTCCGCCCCCCAAGGAACTGTGTCTCTGGTTGGGACCCCCACTCAGCTCTTCCT[GT>G]CTGGCTGCAGATACCAGGGCCTCAAGGAAAGCTGCTTCCCTGCCCTGCTGGACCGGTTCG-3'